The following is an entry in ClinVar:

NM_206933.4(USH2A):c.7839G>T (p.Glu2613Asp)

Gene: USH2A (usherin; minus strand). Cytogenetic location: 1q41.
Variant type: single nucleotide variant.
Coding change: c.7839G>T on transcript NM_206933.4 (MANE Select); coding-DNA position 7839, G replaced by T.
Protein change: p.Glu2613Asp; replaces glutamic acid 2613 with aspartic acid.
Molecular consequence: missense variant.
Genome position (GRCh38, 1-based): chr1:215,888,810, C>A on the plus strand (G>T on the coding strand, the complement: USH2A is on the minus strand). VCF-style: chr1-215888810-C-A. GRCh37 (hg19) VCF-style: chr1-216062152-C-A.
Other names: short protein forms E2613D.
Identifiers: ClinVar variation 725665 (VCV000725665.15), dbSNP rs568902534, ClinGen allele CA1394733.

ClinVar aggregate classification (germline): Conflicting classifications of pathogenicity. Review status: criteria provided, conflicting classifications (1 of 4 stars). 5 submissions from 5 submitters: Uncertain significance (1); Likely benign (3). 1 of the submissions does not count toward it. Last evaluated 2026-01-20.

Conditions:
Usher syndrome type 2A. Also called: RETINAL DISEASE IN USHER SYNDROME TYPE IIA, MODIFIER OF; USHER SYNDROME, TYPE IIA. Identifiers: Orphanet 231178, Orphanet 886, MedGen C1848634, MONDO:0010169, OMIM 276901.
USH2A-related disorder. Also called: USH2A-related condition; USH2A-related disorders. Identifiers: MedGen CN239332.
Retinal dystrophy. Also called: Inherited retinal dystrophy. Identifiers: Orphanet 71862, MedGen C0854723, MeSH D058499, MONDO:0019118, HP:0000556.

Allele frequency attached by ClinVar (database versions not stated): gnomAD 0.00005 and 0.00009; TOPMed 0.00008; gnomAD exomes 0.00012 and 0.00018; ExAC 0.00022; 1000 Genomes Project 30x 0.00031; 1000 Genomes Project 0.00040.
gnomAD v4.1: 192 of 1,614,072 alleles (0.012%); highest among the groups gnomAD compares: East Asian, 0.41%; no homozygotes.

Submissions (5):

Labcorp Genetics (formerly Invitae), Labcorp
Classification: Likely benign. Last evaluated: 2026-01-20. Review status: criteria provided, single submitter. Criteria: Invitae Variant Classification Sherloc (09022015). Collection method: clinical testing. Allele origin: germline.

PreventionGenetics, part of Exact Sciences
Classification: Likely benign for USH2A-related condition. Last evaluated: 2025-03-27. Review status: criteria provided, single submitter. Criteria: ACMG Guidelines, 2015. Collection method: clinical testing. Allele origin: germline.
Comment: This variant is classified as likely benign based on ACMG/AMP sequence variant interpretation guidelines (Richards et al. 2015 PMID: 25741868, with internal and published modifications).

Blueprint Genetics
Classification: Uncertain significance. Last evaluated: 2024-02-27. Review status: criteria provided, single submitter. Criteria: ACMG Guidelines, 2015. Collection method: clinical testing. Allele origin: germline.

Dept Of Ophthalmology, Nagoya University
Classification: Likely benign for Retinal dystrophy. Last evaluated: 2023-10-01. Review status: criteria provided, single submitter. Criteria: Submitter's publication. Collection method: research. Allele origin: germline. Affected: yes.

Natera, Inc.
Classification: Uncertain significance for Usher syndrome type 2A. Last evaluated: 2020-01-08. Review status: no assertion criteria provided. Collection method: clinical testing. Allele origin: germline. Not counted in ClinVar's aggregate classification.